The following is an entry in ClinVar:

NM_001458.5(FLNC):c.7467_7474del (p.Ser2490fs)

Genes: FLNC (filamin C; plus strand), FLNC-AS1 (FLNC antisense RNA 1; minus strand). Cytogenetic location: 7q32.1.
Variant type: Deletion.
Coding change: c.7467_7474del on transcript NM_001458.5 (MANE Select); coding-DNA positions 7467 to 7474, 8 bases deleted (AAGTCCCT; older notation c.7467_7474delAAGTCCCT).
Protein change: p.Ser2490fs; shifts the reading frame from serine 2490.
Molecular consequence: frameshift variant.
Genome position (GRCh38, 1-based): chr7:128,856,827-128,856,834, AAGTCCCT deleted. VCF-style (leftmost placement, unchanged base first): chr7-128856826-GAAGTCCCT-G. GRCh37 (hg19) VCF-style: chr7-128496880-GAAGTCCCT-G.
Other names: c.7368_7375del, p.Ser2457fs (NM_001127487.2); short protein forms S2457fs, S2490fs.
Identifiers: ClinVar variation 1695210 (VCV001695210.31), dbSNP rs2128940244, ClinGen allele CA2580076597.

ClinVar aggregate classification (germline): Pathogenic (1 of 4 stars; one submission).

Submission:

CeGaT Center for Human Genetics Tuebingen
Classification: Pathogenic. Last evaluated: 2022-06-01. Review status: criteria provided, single submitter. Criteria: CeGaT Center For Human Genetics Tuebingen Variant Classification Criteria Version 2. Collection method: clinical testing. Allele origin: germline. Affected: yes. Observed: 1 variant allele.
Comment: FLNC: PVS1, PM2